The following is an entry in ClinVar:

ClinVar aggregate classification (germline): Likely benign (1 of 4 stars; one submission).

Allele frequency attached by ClinVar (database versions not stated): gnomAD 0.00001; TOPMed below 0.00001.

Submission:

GeneDx
Classification: Likely benign. Last evaluated: 2016-04-07. Review status: criteria provided, single submitter. Criteria: GeneDx Variant Classification (06012015). Collection method: clinical testing. Allele origin: germline. Affected: yes.
Comment: This variant is considered likely benign or benign based on one or more of the following criteria: it is a conservative change, it occurs at a poorly conserved position in the protein, it is predicted to be benign by multiple in silico algorithms, and/or has population frequency not consistent with disease.

NM_004408.4(DNM1):c.-33G>A

Genes: CIZ1 (CDKN1A interacting zinc finger protein 1; minus strand), DNM1 (dynamin 1; plus strand), LOC130002696 (ATAC-STARR-seq lymphoblastoid silent region 20331; plus strand). Cytogenetic location: 9q34.11.
Variant type: single nucleotide variant.
Coding change: c.-33G>A on transcript NM_004408.4 (MANE Select); 33 bases upstream of the start codon, G replaced by A.
Molecular consequence: 5 prime UTR variant. On other transcripts: intron variant (2).
Genome position (GRCh38, 1-based): chr9:128,203,438, G>A. VCF-style: chr9-128203438-G-A. GRCh37 (hg19) VCF-style: chr9-130965717-G-A.
Other names: c.-33G>A (NM_001005336.3, NM_001288737.2, NM_001288738.2 and 2 more transcripts); c.-6+748C>T (NM_001131015.2, NM_012127.3).
Identifiers: ClinVar variation 385211 (VCV000385211.3), dbSNP rs1057522152, ClinGen allele CA16605483.